The following is an entry in ClinVar:

NM_017813.5(BPNT2):c.445A>G (p.Lys149Glu)

Gene: BPNT2 (3'(2'), 5'-bisphosphate nucleotidase 2; minus strand). Cytogenetic location: 8q12.1.
Variant type: single nucleotide variant.
Coding change: c.445A>G on transcript NM_017813.5 (MANE Select); coding-DNA position 445, A replaced by G.
Protein change: p.Lys149Glu; replaces lysine 149 with glutamic acid.
Molecular consequence: missense variant.
Genome position (GRCh38, 1-based): chr8:56,980,140, T>C on the plus strand (A>G on the coding strand, the complement: BPNT2 is on the minus strand). VCF-style: chr8-56980140-T-C. GRCh37 (hg19) VCF-style: chr8-57892699-T-C.
Other names: c.445A>G (NM_017813.3); short protein forms K149E.
Identifiers: ClinVar variation 2068711 (VCV002068711.2), dbSNP rs148440829, ClinGen allele CA4755914.

ClinVar aggregate classification (germline): Uncertain significance. Review status: criteria provided, multiple submitters, no conflicts (2 of 4 stars). 2 submissions from 2 submitters: Uncertain significance (2). Last evaluated 2023-10-10.

Allele frequency attached by ClinVar (database versions not stated): gnomAD exomes 0.00004; ExAC 0.00009; 1000 Genomes Project 30x 0.00016; 1000 Genomes Project 0.00020; ESP Exome Variant Server 0.00023; gnomAD 0.00031; TOPMed 0.00035.
gnomAD v4.1: 101 of 1,613,710 alleles (0.0063%); highest among the groups gnomAD compares: African/African-American, 0.12%; no homozygotes.

Submissions (2):

Ambry Genetics
Classification: Uncertain significance. Last evaluated: 2023-10-10. Review status: criteria provided, single submitter. Criteria: Ambry Variant Classification Scheme 2023. Collection method: clinical testing. Allele origin: germline.

Labcorp Genetics (formerly Invitae), Labcorp
Classification: Uncertain significance. Last evaluated: 2022-02-09. Review status: criteria provided, single submitter. Criteria: Invitae Variant Classification Sherloc (09022015). Collection method: clinical testing. Allele origin: germline.
Comment: This sequence change replaces lysine, which is basic and polar, with glutamic acid, which is acidic and polar, at codon 149 of the IMPAD1 protein (p.Lys149Glu). This variant is present in population databases (rs148440829, gnomAD 0.1%). This variant has not been reported in the literature in individuals affected with IMPAD1-related conditions. Algorithms developed to predict the effect of missense changes on protein structure and function (SIFT, PolyPhen-2, Align-GVGD) all suggest that this variant is likely to be tolerated. In summary, the available evidence is currently insufficient to determine the role of this variant in disease. Therefore, it has been classified as a Variant of Uncertain Significance.